The following is an entry in ClinVar:

NM_001009944.3(PKD1):c.9376A>T (p.Thr3126Ser)

Gene: PKD1 (polycystin 1, transient receptor potential channel interacting; minus strand). Cytogenetic location: 16p13.3.
Variant type: single nucleotide variant.
Coding change: c.9376A>T on transcript NM_001009944.3 (MANE Select); coding-DNA position 9376, A replaced by T.
Protein change: p.Thr3126Ser; replaces threonine 3126 with serine.
Molecular consequence: missense variant.
Genome position (GRCh38, 1-based): chr16:2,102,082, T>A on the plus strand (A>T on the coding strand, the complement: PKD1 is on the minus strand). VCF-style: chr16-2102082-T-A. GRCh37 (hg19) VCF-style: chr16-2152083-T-A.
Other names: c.9376A>T, p.Thr3126Ser (NM_000296.4); short protein forms T3126S.
Identifiers: ClinVar variation 2581950 (VCV002581950.1), dbSNP rs2544729948, ClinGen allele CA394357680.

ClinVar aggregate classification (germline): Uncertain significance (1 of 4 stars; one submission).

Submission:

GeneDx
Classification: Uncertain significance. Last evaluated: 2023-03-28. Review status: criteria provided, single submitter. Criteria: GeneDx Variant Classification Process June 2021. Collection method: clinical testing. Allele origin: germline. Affected: yes.
Comment: Not observed at significant frequency in large population cohorts (gnomAD); In silico analysis supports that this missense variant has a deleterious effect on protein structure/function; Has not been previously published as pathogenic or benign to our knowledge